The following is an entry in ClinVar:

NM_205834.4(LSR):c.940A>C (p.Arg314=)

Gene: LSR (lipolysis stimulated lipoprotein receptor; plus strand). Cytogenetic location: 19q13.12.
Variant type: single nucleotide variant.
Coding change: c.940A>C on transcript NM_205834.4 (MANE Select); coding-DNA position 940, A replaced by C.
Protein change: p.Arg314=; no amino-acid change (arginine 314 retained).
Molecular consequence: synonymous variant.
Genome position (GRCh38, 1-based): chr19:35,266,520, A>C. VCF-style: chr19-35266520-A-C. GRCh37 (hg19) VCF-style: chr19-35757423-A-C.
Other names: c.883A>C, p.Arg295= (NM_001260489.2, NM_015925.7); c.616A>C, p.Arg206= (NM_001260490.2); c.736A>C, p.Arg246= (NM_001385215.1, NM_205835.4).
Identifiers: ClinVar variation 4996489 (VCV004996489.1).

ClinVar aggregate classification (germline): Likely benign (1 of 4 stars; one submission).

Conditions:
LSR-related condition.

Submission:

PreventionGenetics, part of Exact Sciences
Classification: Likely benign for LSR-related condition. Last evaluated: 2026-05-22. Review status: criteria provided, single submitter. Criteria: ACMG Guidelines, 2015. Collection method: clinical testing. Allele origin: germline.
Comment: This variant is classified as likely benign based on ACMG/AMP sequence variant interpretation guidelines (Richards et al. 2015 PMID: 25741868, with internal and published modifications).